The following is an entry in ClinVar:

NM_004385.5(VCAN):c.1978G>C (p.Gly660Arg)

Gene: VCAN (versican; plus strand). Cytogenetic location: 5q14.3.
Variant type: single nucleotide variant.
Coding change: c.1978G>C on transcript NM_004385.5 (MANE Select); coding-DNA position 1978, G replaced by C.
Protein change: p.Gly660Arg; replaces glycine 660 with arginine.
Molecular consequence: missense variant. On other transcripts: intron variant (2).
Genome position (GRCh38, 1-based): chr5:83,520,284, G>C. VCF-style: chr5-83520284-G-C. GRCh37 (hg19) VCF-style: chr5-82816103-G-C.
Other names: c.1978G>C (NM_004385.4); c.1978G>C, p.Gly660Arg (NM_001164098.2); c.1042+7888G>C (NM_001164097.2, NM_001126336.3); short protein forms G660R.
Identifiers: ClinVar variation 3017985 (VCV003017985.4), dbSNP rs1746029535, ClinGen allele CA360302399.
Genomic context (GRCh38, chr5:83,520,284, plus strand): 5'-CTGTCTACTACACCTTTTCCATCACAGCATCGTACAGAAATAGAATTGTTTCCTTATTCT[G>C]GTGATAAAATATTAGTAGAGGGAATTTCCACAGTTATTTATCCTTCTCTACAAACAGAAA-3'
Protein context (NP_004376.2, residues 650-670): RTEIELFPYS[Gly660Arg]DKILVEGIST

ClinVar aggregate classification (germline): Uncertain significance. Review status: criteria provided, multiple submitters, no conflicts (2 of 4 stars). 2 submissions from 2 submitters: Uncertain significance (2). Last evaluated 2024-06-10.

Conditions:
Inborn genetic diseases. Identifiers: MedGen C0950123, MeSH D030342.

Submissions (2):

Ambry Genetics
Classification: Uncertain significance for Inborn genetic diseases. Last evaluated: 2024-06-10. Review status: criteria provided, single submitter. Criteria: Ambry Variant Classification Scheme 2023. Collection method: clinical testing. Allele origin: germline.

Labcorp Genetics (formerly Invitae), Labcorp
Classification: Uncertain significance. Last evaluated: 2024-01-12. Review status: criteria provided, single submitter. Criteria: Invitae Variant Classification Sherloc (09022015). Collection method: clinical testing. Allele origin: germline.
Comment: This sequence change replaces glycine, which is neutral and non-polar, with arginine, which is basic and polar, at codon 660 of the VCAN protein (p.Gly660Arg). This variant is not present in population databases (gnomAD no frequency). This variant has not been reported in the literature in individuals affected with VCAN-related conditions. An algorithm developed to predict the effect of missense changes on protein structure and function (PolyPhen-2) suggests that this variant is likely to be disruptive. In summary, the available evidence is currently insufficient to determine the role of this variant in disease. Therefore, it has been classified as a Variant of Uncertain Significance.